The following is an entry in ClinVar:

ClinVar aggregate classification (germline): Uncertain significance (1 of 4 stars; one submission).

Allele frequency attached by ClinVar (database versions not stated): ExAC 0.00001; gnomAD 0.00001; gnomAD exomes 0.00001 and 0.00002; TOPMed 0.00001.

Submission:

Labcorp Genetics (formerly Invitae), Labcorp
Classification: Uncertain significance. Last evaluated: 2025-11-18. Review status: criteria provided, single submitter. Criteria: Invitae Variant Classification Sherloc (09022015). Collection method: clinical testing. Allele origin: germline.
Comment: This sequence change replaces lysine, which is basic and polar, with arginine, which is basic and polar, at codon 555 of the COL11A2 protein (p.Lys555Arg). This variant is present in population databases (rs756619652, gnomAD 0.004%). This variant has not been reported in the literature in individuals affected with COL11A2-related conditions. ClinVar contains an entry for this variant (Variation ID: 1360895). An algorithm developed to predict the effect of missense changes on protein structure and function (PolyPhen-2) suggests that this variant is likely to be disruptive. Algorithms developed to predict the effect of sequence changes on RNA splicing suggest that this variant may disrupt the consensus splice site. In summary, the available evidence is currently insufficient to determine the role of this variant in disease. Therefore, it has been classified as a Variant of Uncertain Significance.

NM_080680.3(COL11A2):c.1664A>G (p.Lys555Arg)

Gene: COL11A2 (collagen type XI alpha 2 chain; minus strand). Cytogenetic location: 6p21.32.
Variant type: single nucleotide variant.
Coding change: c.1664A>G on transcript NM_080680.3 (MANE Select); coding-DNA position 1664, A replaced by G.
Protein change: p.Lys555Arg; replaces lysine 555 with arginine.
Molecular consequence: missense variant.
Genome position (GRCh38, 1-based): chr6:33,178,921, T>C on the plus strand (A>G on the coding strand, the complement: COL11A2 is on the minus strand). VCF-style: chr6-33178921-T-C. GRCh37 (hg19) VCF-style: chr6-33146698-T-C.
Other names: c.1343A>G, p.Lys448Arg (NM_080679.3); c.1406A>G, p.Lys469Arg (NM_080681.3); short protein forms K448R, K555R, K469R.
Identifiers: ClinVar variation 1360895 (VCV001360895.6), dbSNP rs756619652, ClinGen allele CA3751271.